The following is an entry in ClinVar:

NM_005591.4(MRE11):c.910G>A (p.Val304Met)

Gene: MRE11 (MRE11 double strand break repair nuclease; minus strand). Cytogenetic location: 11q21.
Variant type: single nucleotide variant.
Coding change: c.910G>A on transcript NM_005591.4 (MANE Select); coding-DNA position 910, G replaced by A.
Protein change: p.Val304Met; replaces valine 304 with methionine.
Molecular consequence: missense variant.
Genome position (GRCh38, 1-based): chr11:94,470,578, C>T on the plus strand (G>A on the coding strand, the complement: MRE11 is on the minus strand). VCF-style: chr11-94470578-C-T. GRCh37 (hg19) VCF-style: chr11-94203744-C-T.
Other names: c.910G>A, p.Val304Met (NM_001330347.2, NM_005590.4); short protein forms V304M.
Identifiers: ClinVar variation 823024 (VCV000823024.5), dbSNP rs770429536, ClinGen allele CA6235265.

ClinVar aggregate classification (germline): Uncertain significance. Review status: criteria provided, multiple submitters, no conflicts (2 of 4 stars). 2 submissions from 2 submitters: Uncertain significance (2). Last evaluated 2022-05-25.

Conditions:
Hereditary cancer-predisposing syndrome. Also called: Neoplastic Syndromes, Hereditary; Tumor predisposition; Hereditary Cancer Syndrome; Hereditary neoplastic syndrome. Identifiers: Orphanet 140162, MedGen C0027672, MeSH D009386, MONDO:0015356.

Allele frequency attached by ClinVar (database versions not stated): gnomAD below 0.00001 and 0.00001; gnomAD exomes 0.00004; ExAC 0.00005.
gnomAD v4.1: 30 of 1,613,202 alleles (0.0019%); highest among the groups gnomAD compares: South Asian, 0.033%; no homozygotes.

Submissions (2):

Ambry Genetics
Classification: Uncertain significance for Hereditary cancer-predisposing syndrome. Last evaluated: 2022-05-25. Review status: criteria provided, single submitter. Criteria: Ambry Variant Classification Scheme 2023. Collection method: clinical testing. Allele origin: germline.
Comment: The p.V304M variant (also known as c.910G>A), located in coding exon 8 of the MRE11A gene, results from a G to A substitution at nucleotide position 910. The valine at codon 304 is replaced by methionine, an amino acid with highly similar properties. This amino acid position is highly conserved in available vertebrate species. In addition, this alteration is predicted to be deleterious by in silico analysis. Since supporting evidence is limited at this time, the clinical significance of this alteration remains unclear.

Blueprint Genetics
Classification: Uncertain significance. Last evaluated: 2021-10-18. Review status: criteria provided, single submitter. Criteria: ACMG Guidelines, 2015. Collection method: clinical testing. Allele origin: germline.